The following is an entry in ClinVar:

NM_001042492.3(NF1):c.1321A>G (p.Asn441Asp)

Gene: NF1 (neurofibromin 1; plus strand). Cytogenetic location: 17q11.2.
Variant type: single nucleotide variant.
Coding change: c.1321A>G on transcript NM_001042492.3 (MANE Select); coding-DNA position 1321, A replaced by G.
Protein change: p.Asn441Asp; replaces asparagine 441 with aspartic acid.
Molecular consequence: missense variant.
Genome position (GRCh38, 1-based): chr17:31,206,300, A>G. VCF-style: chr17-31206300-A-G. GRCh37 (hg19) VCF-style: chr17-29533318-A-G.
Other names: c.1321A>G, p.Asn441Asp (NM_001128147.3, NM_000267.4); short protein forms N441D.
Identifiers: ClinVar variation 961434 (VCV000961434.6), dbSNP rs2066620307, ClinGen allele CA398999436.

ClinVar aggregate classification (germline): Uncertain significance (1 of 4 stars; one submission).

Conditions:
Neurofibromatosis, type 1 (NF1). Also called: Peripheral type neurofibromatosis; VON RECKLINGHAUSEN DISEASE; NEUROFIBROMATOSIS, TYPE I, SOMATIC; Neurofibromatosis, type I. Identifiers: Orphanet 636, MedGen C0027831, MONDO:0018975, OMIM 162200. Disease mechanism: loss of function.

Submission:

Labcorp Genetics (formerly Invitae), Labcorp
Classification: Uncertain significance for Neurofibromatosis, type 1. Last evaluated: 2025-11-10. Review status: criteria provided, single submitter. Criteria: Invitae Variant Classification Sherloc (09022015). Collection method: clinical testing. Allele origin: germline.
Comment: This sequence change replaces asparagine, which is neutral and polar, with aspartic acid, which is acidic and polar, at codon 441 of the NF1 protein (p.Asn441Asp). This variant is not present in population databases (gnomAD no frequency). This variant has not been reported in the literature in individuals affected with NF1-related conditions. ClinVar contains an entry for this variant (Variation ID: 961434). Invitae Evidence Modeling of protein sequence and biophysical properties (such as structural, functional, and spatial information, amino acid conservation, physicochemical variation, residue mobility, and thermodynamic stability) indicates that this missense variant is not expected to disrupt NF1 protein function with a negative predictive value of 95%. In summary, the available evidence is currently insufficient to determine the role of this variant in disease. Therefore, it has been classified as a Variant of Uncertain Significance.